The following is an entry in ClinVar:

NM_001378615.1(CC2D2A):c.3182+1G>A

Genes: CC2D2A (coiled-coil and C2 domain containing 2A; plus strand), FBXL5 (F-box and leucine rich repeat protein 5; minus strand). Cytogenetic location: 4p15.32.
Variant type: single nucleotide variant.
Coding change: c.3182+1G>A on transcript NM_001378615.1 (MANE Select); the canonical splice donor site of the intron after coding-DNA position 3182, G replaced by A.
Molecular consequence: splice donor variant.
Genome position (GRCh38, 1-based): chr4:15,563,523, G>A. VCF-style: chr4-15563523-G-A. GRCh37 (hg19) VCF-style: chr4-15565146-G-A.
Other names: c.3182+1G>A (NM_001080522.2); c.3035+1G>A (NM_001378617.1).
Identifiers: ClinVar variation 2951724 (VCV002951724.4), dbSNP rs749583615, ClinGen allele CA92513587.

ClinVar aggregate classification (germline): Likely pathogenic. Review status: criteria provided, multiple submitters, no conflicts (2 of 4 stars). 2 submissions from 2 submitters: Likely pathogenic (2). Last evaluated 2023-03-16.

Conditions:
Joubert syndrome. Also called: JOUBERT-BOLTSHAUSER SYNDROME; Familial aplasia of the vermis. Identifiers: Orphanet 475, MedGen C5979921, MONDO:0018772.
Meckel-Gruber syndrome. Also called: DYSENCEPHALIA SPLANCHNOCYSTICA; GRUBER SYNDROME; Dysencephalia splachnocystica. Identifiers: Orphanet 564, MedGen C0265215, MONDO:0018921.
CC2D2A-related disorder. Also called: CC2D2A-related condition; CC2D2A-related disorders. Identifiers: MedGen CN239313.

Allele frequency attached by ClinVar (database versions not stated): TOPMed below 0.00001.
gnomAD v4.1: 13 of 1,611,106 alleles (0.00081%); highest among the groups gnomAD compares: Non-Finnish European, 0.0011%; no homozygotes.

Submissions (2):

Labcorp Genetics (formerly Invitae), Labcorp
Classification: Likely pathogenic for Joubert syndrome; Meckel-Gruber syndrome. Last evaluated: 2023-03-16. Review status: criteria provided, single submitter. Criteria: Invitae Variant Classification Sherloc (09022015). Collection method: clinical testing. Allele origin: germline.
Comment: In summary, the currently available evidence indicates that the variant is pathogenic, but additional data are needed to prove that conclusively. Therefore, this variant has been classified as Likely Pathogenic. Algorithms developed to predict the effect of sequence changes on RNA splicing suggest that this variant may disrupt the consensus splice site. This variant has not been reported in the literature in individuals affected with CC2D2A-related conditions. This variant is not present in population databases (gnomAD no frequency). This sequence change affects a donor splice site in intron 25 of the CC2D2A gene. It is expected to disrupt RNA splicing. Variants that disrupt the donor or acceptor splice site typically lead to a loss of protein function (PMID: 16199547), and loss-of-function variants in CC2D2A are known to be pathogenic (PMID: 19777577).

Blueprint Genetics
Classification: Likely pathogenic for CC2D2A-related disorders. Last evaluated: 2021-04-29. Review status: criteria provided, single submitter. Criteria: ACMG Guidelines, 2015. Collection method: clinical testing. Allele origin: germline. Affected: yes. Observed: 1 variant allele.

Literature cited by the submitters: PubMed 16199547 (cited by Labcorp Genetics (formerly Invitae), Labcorp); PubMed 19777577 (cited by Labcorp Genetics (formerly Invitae), Labcorp).